The following is an entry in ClinVar:

ClinVar aggregate classification (germline): Conflicting classifications of pathogenicity. Review status: criteria provided, conflicting classifications (1 of 4 stars). 2 submissions from 2 submitters: Uncertain significance (1); Likely benign (1). Last evaluated 2025-04-08.

Conditions:
Oto-palato-digital syndrome, type II (OPD2). Also called: Otopalatodigital Syndrome, Type II; FACIOPALATOOSSEOUS SYNDROME; OPD II SYNDROME; Otopalatodigital Syndrome Type 2 (FLNA-OPD2). Identifiers: Orphanet 669, Orphanet 90652, MedGen C1844696, MONDO:0010571, OMIM 304120.
Frontometaphyseal dysplasia (FMD1). Identifiers: Orphanet 1826, MedGen C0265293, MONDO:0015942.
Heterotopia, periventricular, X-linked dominant (PVNH1). Also called: PERIVENTRICULAR NODULAR HETEROTOPIA 1; X-linked periventricular heterotopia; PERIVENTRICULAR NODULAR HETEROTOPIA 4; HETEROTOPIA, PERIVENTRICULAR, 1. Identifiers: Orphanet 2149, Orphanet 82004, MedGen C1848213, MONDO:0010233, OMIM 300049.
Melnick-Needles syndrome (MNS). Also called: MELNICK-NEEDLES OSTEODYSPLASTY; OSTEODYSPLASTY OF MELNICK AND NEEDLES; Melnick-Needles Syndrome (FLNA-MNS). Identifiers: Orphanet 2484, MedGen C0025237, MONDO:0010650, OMIM 309350.

Allele frequency attached by ClinVar (database versions not stated): gnomAD exomes below 0.00001 and 0.00001; ExAC 0.00001.
gnomAD v4.1: 5 of 1,211,346 alleles (0.00041%); highest among the groups gnomAD compares: Admixed American, 0.0022%; no homozygotes.

Submissions (2):

Labcorp Genetics (formerly Invitae), Labcorp
Classification: Likely benign for Oto-palato-digital syndrome, type II; Heterotopia, periventricular, X-linked dominant; Frontometaphyseal dysplasia; Melnick-Needles syndrome. Last evaluated: 2025-04-08. Review status: criteria provided, single submitter. Criteria: Invitae Variant Classification Sherloc (09022015). Collection method: clinical testing. Allele origin: germline.

GeneDx
Classification: Uncertain significance. Last evaluated: 2015-06-02. Review status: criteria provided, single submitter. Criteria: GeneDx Variant Classification (06012015). Collection method: clinical testing. Allele origin: germline. Affected: yes.
Comment: p.Thr1103Met (ACG>ATG): c.3308 C>T in exon 22 in the FLNA Gene (NM_001456.3). The T1103M variant in the FLNA gene has not been published as a mutation, nor has it been reported as a benign polymorphism to our knowledge. The T1103M variant was not observed in approximately 6100 individuals of European and African American ancestry in the NHLBI Exome Sequencing Project, indicating it is not a common variant in these populations. The T1103M variant is a non-conservative amino acid substitution, which occurs within Filamin 9 repeat at a position that is conserved across species. In silico analysis predicts this variant is probably damaging to the protein structure/function. We interpret T1103M as a variant of unknown significance. This variant was found in HG19-EXOME-

NM_001110556.2(FLNA):c.3308C>T (p.Thr1103Met)

Gene: FLNA (filamin A; minus strand). Cytogenetic location: Xq28.
Variant type: single nucleotide variant.
Coding change: c.3308C>T on transcript NM_001110556.2 (MANE Select); coding-DNA position 3308, C replaced by T.
Protein change: p.Thr1103Met; replaces threonine 1103 with methionine.
Molecular consequence: missense variant.
Genome position (GRCh38, 1-based): chrX:154,360,487, G>A on the plus strand (C>T on the coding strand, the complement: FLNA is on the minus strand). VCF-style: chrX-154360487-G-A. GRCh37 (hg19) VCF-style: chrX-153588855-G-A.
Other names: p.T1103M:ACG>ATG; c.3308C>T, p.Thr1103Met (NM_001456.4); short protein forms T1103M.
Identifiers: ClinVar variation 213469 (VCV000213469.10), dbSNP rs781970327, ClinGen allele CA321289.
Genomic context (GRCh38, chrX:154,360,487, plus strand): 5'-GAACATGTGCCATCCCCATTGTCCAAGCACTCGAGCTGCGCCTCACAGGGGCCCTCCACC[G>A]TCAGGCCCAGGCCACCTGTGCCGGCGCCCTTGGTGTCGATGGTGAAGCGGGCGGGGGAGC-3'
Protein context (NP_001104026.1, residues 1093-1113): KGAGTGGLGL[Thr1103Met]VEGPCEAQLE